The following is an entry in ClinVar:

ClinVar aggregate classification (germline): Uncertain significance (1 of 4 stars; one submission).

Submission:

CeGaT Center for Human Genetics Tuebingen
Classification: Uncertain significance. Last evaluated: 2026-01-01. Review status: criteria provided, single submitter. Criteria: CeGaT Center For Human Genetics Tuebingen Variant Classification Criteria Version 2. Collection method: clinical testing. Allele origin: germline. Affected: yes. Observed: 1 variant allele.
Comment: UBQLN2: PM2

NM_013444.4(UBQLN2):c.1103G>T (p.Gly368Val)

Gene: UBQLN2 (ubiquilin 2; plus strand). Cytogenetic location: Xp11.21.
Variant type: single nucleotide variant.
Coding change: c.1103G>T on transcript NM_013444.4 (MANE Select); coding-DNA position 1103, G replaced by T.
Protein change: p.Gly368Val; replaces glycine 368 with valine.
Molecular consequence: missense variant.
Genome position (GRCh38, 1-based): chrX:56,564,976, G>T. VCF-style: chrX-56564976-G-T. GRCh37 (hg19) VCF-style: chrX-56591409-G-T.
Other names: short protein forms G368V.
Identifiers: ClinVar variation 4822883 (VCV004822883.4).